The following is an entry in ClinVar:

ClinVar aggregate classification (germline): Uncertain significance (1 of 4 stars; one submission).

Conditions:
Pilarowski-Bjornsson syndrome. Also called: DEVELOPMENTAL DELAY AND SPEECH APRAXIA WITH OR WITHOUT SEIZURES. Identifiers: Orphanet 529965, MedGen C4540131, MONDO:0060568, OMIM 617682.

Submission:

Laboratorio de Genetica e Diagnostico Molecular, Hospital Israelita Albert Einstein
Classification: Uncertain significance for Pilarowski-Bjornsson syndrome. Last evaluated: 2025-03-20. Review status: criteria provided, single submitter. Criteria: ACMG Guidelines, 2015. Collection method: clinical testing. Allele origin: germline. Affected: yes.
Comment: ACMG classification criteria: PM2 supporting, PP2 supporting

NM_001270.4(CHD1):c.2842C>G (p.Leu948Val)

Gene: CHD1 (chromodomain helicase DNA binding protein 1; minus strand). Cytogenetic location: 5q15.
Variant type: single nucleotide variant.
Coding change: c.2842C>G on transcript NM_001270.4 (MANE Select); coding-DNA position 2842, C replaced by G.
Protein change: p.Leu948Val; replaces leucine 948 with valine.
Molecular consequence: missense variant. On other transcripts: non-coding transcript variant (2).
Genome position (GRCh38, 1-based): chr5:98,882,000, G>C on the plus strand (C>G on the coding strand, the complement: CHD1 is on the minus strand). VCF-style: chr5-98882000-G-C. GRCh37 (hg19) VCF-style: chr5-98217704-G-C.
Other names: c.2842C>G, p.Leu948Val (NM_001364113.3, NM_001376194.2); short protein forms L948V.
Identifiers: ClinVar variation 3902065 (VCV003902065.1).